The following is an entry in ClinVar:

NM_000112.4(SLC26A2):c.1831del (p.Val611fs)

Gene: SLC26A2 (solute carrier family 26 member 2; plus strand). Cytogenetic location: 5q32.
Variant type: Deletion.
Coding change: c.1831del on transcript NM_000112.4 (MANE Select); coding-DNA position 1831, one base deleted (G; older notation c.1831delG).
Protein change: p.Val611fs; shifts the reading frame from valine 611.
Molecular consequence: frameshift variant.
Genome position (GRCh38, 1-based): chr5:149,981,424, G deleted; the last of 2 consecutive G bases (chr5:149,981,423-149,981,424); deleting either gives the same sequence. VCF-style (leftmost placement, unchanged base first): chr5-149981422-AG-A. GRCh37 (hg19) VCF-style: chr5-149360985-AG-A.
Other names: c.1831delG (NM_000112.3); short protein forms V611fs.
Identifiers: ClinVar variation 373286 (VCV000373286.1), dbSNP rs1057518327, ClinGen allele CA16042586.

ClinVar aggregate classification (germline): Likely pathogenic (1 of 4 stars; one submission).

Submission:

GeneDx
Classification: Likely pathogenic. Last evaluated: 2016-11-10. Review status: criteria provided, single submitter. Criteria: GeneDx Variant Classification (06012015). Collection method: clinical testing. Allele origin: germline. Affected: yes.
Comment: The c.1831delG variant in the SLC26A2 gene has not been published as a pathogenic variant, nor has it been reported as a benign variant to our knowledge. The c.1831delG pathogenic variant in the SLC26A2 gene causes a frameshift starting with codon Valine 611, changes this amino acid to a Tryptophan residue and creates a premature Stop codon at position 15 of the new reading frame, denoted p.Val611TrpfsX15. This variant causes the last 129 amino acids of the normal SLC26A2 protein to be replaced with 14 incorrect amino acids. This is expected to create a truncated, abnormal SLC26A2 protein, which is predicted to have a loss of normal protein function. The c.1831delG variant was not observed in approximately 6500 individuals of European and African American ancestry in the NHLBI Exome Sequencing Project, indicating it is not a common benign variant in these populations.